The following is an entry in ClinVar:

NM_000747.3(CHRNB1):c.462+74G>A

Gene: CHRNB1 (cholinergic receptor nicotinic beta 1 subunit; plus strand). Cytogenetic location: 17p13.1.
Variant type: single nucleotide variant.
Coding change: c.462+74G>A on transcript NM_000747.3 (MANE Select); 74 bases into the intron after coding-DNA position 462, G replaced by A.
Molecular consequence: intron variant.
Genome position (GRCh38, 1-based): chr17:7,447,225, G>A. VCF-style: chr17-7447225-G-A. GRCh37 (hg19) VCF-style: chr17-7350544-G-A.
Other names: NC_000017.10:g.7350544G>A.
Identifiers: ClinVar variation 679141 (VCV000679141.6), dbSNP rs2302767, ClinGen allele CA14479248.
Genomic context (GRCh38, chr17:7,447,225, plus strand): 5'-ACATTGGAAGCTGAAGGAGCTCTTACAAATCCTCCCTTTCCTTAGACATCCTGACTCCCC[G>A]GCGACTCCCATCCTTCATCCTTCCCCCATTATCTAATCCCCATGACCCTCACCTCGTCTA-3'

ClinVar aggregate classification (germline): Benign. Review status: criteria provided, multiple submitters, no conflicts (2 of 4 stars). 4 submissions from 3 submitters: Benign (4). Last evaluated 2021-07-22.

Conditions:
Congenital myasthenic syndrome 2A. Also called: Myasthenic syndrome, congenital, 2a, slow-channel. Identifiers: Orphanet 590, MedGen C4225374, MONDO:0014581, OMIM 616313.
Congenital myasthenic syndrome 2C. Also called: Myasthenic syndrome, congenital, 2C, associated with acetylcholine receptor deficiency. Identifiers: Orphanet 590, MedGen C4225373, MONDO:0014582, OMIM 616314.

Allele frequency attached by ClinVar (database versions not stated): 1000 Genomes Project 0.55771; 1000 Genomes Project 30x 0.56324; TOPMed 0.66734; gnomAD 0.67313 and 0.68303; gnomAD exomes 0.68771.
gnomAD v4.1: 858,280 of 1,251,770 alleles (69%); highest among the groups gnomAD compares: Non-Finnish European, 72%; 301,244 homozygotes.

Submissions (5):

Genome-Nilou Lab
Classification: Benign for Congenital myasthenic syndrome 2C. Last evaluated: 2021-07-22. Review status: criteria provided, single submitter. Criteria: ACMG Guidelines, 2015. Collection method: clinical testing. Allele origin: germline. Affected: no.

Genome-Nilou Lab
Classification: Benign for Congenital myasthenic syndrome 2A. Last evaluated: 2021-07-22. Review status: criteria provided, single submitter. Criteria: ACMG Guidelines, 2015. Collection method: clinical testing. Allele origin: germline. Affected: no.

GeneDx
Classification: Benign. Last evaluated: 2018-06-16. Review status: criteria provided, single submitter. Criteria: GeneDx Variant Classification (06012015). Collection method: clinical testing. Allele origin: germline. Affected: yes.
Comment: This variant is considered likely benign or benign based on one or more of the following criteria: it is a conservative change, it occurs at a poorly conserved position in the protein, it is predicted to be benign by multiple in silico algorithms, and/or has population frequency not consistent with disease.

Breakthrough Genomics
Classification: Benign. Review status: criteria provided, single submitter. Criteria: ACMG Guidelines, 2015. Collection method: not provided. Allele origin: germline. Inheritance: Autosomal recessive inheritance. Affected: yes.

Dr. Peter K. Rogan Lab, Western University
No classification provided (evidence only). Condition: Uveal melanoma. Review status: no classification provided. Collection method: in vitro. Allele origin: not applicable. Functional consequence: retained intron. Not counted in ClinVar's aggregate classification.